The following is an entry in ClinVar:

NM_018161.5(NADSYN1):c.636G>C (p.Arg212Ser)

Gene: NADSYN1 (NAD synthetase 1; plus strand). Cytogenetic location: 11q13.4.
Variant type: single nucleotide variant.
Coding change: c.636G>C on transcript NM_018161.5 (MANE Select); coding-DNA position 636, G replaced by C.
Protein change: p.Arg212Ser; replaces arginine 212 with serine.
Molecular consequence: missense variant.
Genome position (GRCh38, 1-based): chr11:71,473,656, G>C. VCF-style: chr11-71473656-G-C. GRCh37 (hg19) VCF-style: chr11-71184702-G-C.
Other names: short protein forms R212S.
Identifiers: ClinVar variation 2501362 (VCV002501362.1), dbSNP rs766741110, ClinGen allele CA6163117.

ClinVar aggregate classification (germline): Uncertain significance (1 of 4 stars; one submission).

Allele frequency attached by ClinVar (database versions not stated): ExAC 0.00001; TOPMed 0.00001; gnomAD exomes 0.00003.
gnomAD v4.1: 46 of 1,612,942 alleles (0.0029%); highest among the groups gnomAD compares: Non-Finnish European, 0.0036%; no homozygotes.

Submission:

GeneDx
Classification: Uncertain significance. Last evaluated: 2022-10-31. Review status: criteria provided, single submitter. Criteria: GeneDx Variant Classification Process June 2021. Collection method: clinical testing. Allele origin: germline. Affected: yes.
Comment: Not observed at significant frequency in large population cohorts (gnomAD); In silico analysis supports that this missense variant has a deleterious effect on protein structure/function; Has not been previously published as pathogenic or benign to our knowledge